The following is an entry in ClinVar:

NM_000426.4(LAMA2):c.3235T>C (p.Cys1079Arg)

Gene: LAMA2 (laminin subunit alpha 2; plus strand). Cytogenetic location: 6q22.33.
Variant type: single nucleotide variant.
Coding change: c.3235T>C on transcript NM_000426.4 (MANE Select); coding-DNA position 3235, T replaced by C.
Protein change: p.Cys1079Arg; replaces cysteine 1079 with arginine.
Molecular consequence: missense variant.
Genome position (GRCh38, 1-based): chr6:129,312,921, T>C. VCF-style: chr6-129312921-T-C. GRCh37 (hg19) VCF-style: chr6-129634066-T-C.
Other names: c.3235T>C, p.Cys1079Arg (NM_001079823.2); short protein forms C1079R.
Identifiers: ClinVar variation 802261 (VCV000802261.7), dbSNP rs1583469739, ClinGen allele CA365611762.

ClinVar aggregate classification (germline): Pathogenic/Likely pathogenic. Review status: criteria provided, multiple submitters, no conflicts (2 of 4 stars). 3 submissions from 3 submitters: Pathogenic (1); Likely pathogenic (2). Last evaluated 2025-10-01.

Conditions:
LAMA2-related muscular dystrophy (LAMA2-RD). Also called: Laminin alpha 2-related dystrophy. Identifiers: MedGen C5679788, MONDO:0100228.
Merosin deficient congenital muscular dystrophy (MDC1A). Also called: Congenital Muscular Dystrophy Type 1A (MDC1A); Congenital merosin-deficient muscular dystrophy 1A. Identifiers: Orphanet 258, MedGen C1263858, MONDO:0011925, OMIM 607855.

Submissions (3):

Labcorp Genetics (formerly Invitae), Labcorp
Classification: Pathogenic for LAMA2-related muscular dystrophy. Last evaluated: 2025-10-01. Review status: criteria provided, single submitter. Criteria: Invitae Variant Classification Sherloc (09022015). Collection method: clinical testing. Allele origin: germline.
Comment: This sequence change replaces cysteine, which is neutral and slightly polar, with arginine, which is basic and polar, at codon 1079 of the LAMA2 protein (p.Cys1079Arg). This variant is not present in population databases (gnomAD no frequency). This missense change has been observed in individual(s) with clinical features of LAMA2-related conditions (PMID: 32528171, 37182895). In at least one individual the data is consistent with being in trans (on the opposite chromosome) from a pathogenic variant. ClinVar contains an entry for this variant (Variation ID: 802261). Invitae Evidence Modeling of protein sequence and biophysical properties (such as structural, functional, and spatial information, amino acid conservation, physicochemical variation, residue mobility, and thermodynamic stability) has been performed for this missense variant. However, the output from this modeling did not meet the statistical confidence thresholds required to predict the impact of this variant on LAMA2 protein function. For these reasons, this variant has been classified as Pathogenic.

Women's Health and Genetics/Laboratory Corporation of America, LabCorp
Classification: Likely pathogenic for LAMA2-related muscular dystrophy. Last evaluated: 2024-10-22. Review status: criteria provided, single submitter. Criteria: LabCorp Variant Classification Summary - May 2015. Collection method: clinical testing. Allele origin: germline.
Comment: Variant summary: LAMA2 c.3235T>C (p.Cys1079Arg) results in a non-conservative amino acid change located in the Laminin-type EGF domain (IPR002049) of the encoded protein sequence. Five of five in-silico tools predict a damaging effect of the variant on protein function. The variant was absent in 251404 control chromosomes. c.3235T>C has been reported in the literature in individuals affected with and/or with clinical features of Laminin Alpha 2-Related Dystrophy (e.g. Topf_2020, Camelo_2024) . These data indicate that the variant is likely to be associated with disease. To our knowledge, no experimental evidence demonstrating an impact on protein function has been reported. The following publications have been ascertained in the context of this evaluation (PMID: 38747280, 37182895, 32528171). ClinVar contains an entry for this variant (Variation ID: 802261). Based on the evidence outlined above, the variant was classified as likely pathogenic.

Mendelics
Classification: Likely pathogenic for Merosin deficient congenital muscular dystrophy. Last evaluated: 2019-05-28. Review status: criteria provided, single submitter. Criteria: Mendelics Assertion Criteria 2017. Collection method: clinical testing. Allele origin: unknown.

Literature cited by the submitters: PubMed 32528171 (cited by Labcorp Genetics (formerly Invitae), Labcorp and Women's Health and Genetics/Laboratory Corporation of America, LabCorp); PubMed 37182895 (cited by Labcorp Genetics (formerly Invitae), Labcorp and Women's Health and Genetics/Laboratory Corporation of America, LabCorp); PubMed 38747280 (cited by Women's Health and Genetics/Laboratory Corporation of America, LabCorp).